The following is an entry in ClinVar:

ClinVar aggregate classification (germline): Uncertain significance (1 of 4 stars; one submission).

Conditions:
Bethlem myopathy 1A. Also called: MYOPATHY, BENIGN CONGENITAL, WITH CONTRACTURES; Bethlem myopathy 1; Bethlem Muscular Dystrophy. Identifiers: Orphanet 610, MedGen CN029274, MONDO:0024530, OMIM 158810.

Submission:

Labcorp Genetics (formerly Invitae), Labcorp
Classification: Uncertain significance for Bethlem myopathy 1A. Last evaluated: 2024-11-03. Review status: criteria provided, single submitter. Criteria: Invitae Variant Classification Sherloc (09022015). Collection method: clinical testing. Allele origin: germline.
Comment: This sequence change replaces threonine, which is neutral and polar, with arginine, which is basic and polar, at codon 710 of the COL6A1 protein (p.Thr710Arg). This variant is not present in population databases (gnomAD no frequency). This variant has not been reported in the literature in individuals affected with COL6A1-related conditions. Invitae Evidence Modeling of protein sequence and biophysical properties (such as structural, functional, and spatial information, amino acid conservation, physicochemical variation, residue mobility, and thermodynamic stability) indicates that this missense variant is not expected to disrupt COL6A1 protein function with a negative predictive value of 95%. In summary, the available evidence is currently insufficient to determine the role of this variant in disease. Therefore, it has been classified as a Variant of Uncertain Significance.

NM_001848.3(COL6A1):c.2129C>G (p.Thr710Arg)

Gene: COL6A1 (collagen type VI alpha 1 chain; plus strand). Cytogenetic location: 21q22.3.
Variant type: single nucleotide variant.
Coding change: c.2129C>G on transcript NM_001848.3 (MANE Select); coding-DNA position 2129, C replaced by G.
Protein change: p.Thr710Arg; replaces threonine 710 with arginine.
Molecular consequence: missense variant.
Genome position (GRCh38, 1-based): chr21:46,002,280, C>G. VCF-style: chr21-46002280-C-G. GRCh37 (hg19) VCF-style: chr21-47422194-C-G.
Other names: short protein forms T710R.
Identifiers: ClinVar variation 3668673 (VCV003668673.2).
Genomic context (GRCh38, chr21:46,002,280, plus strand): 5'-CCATCAAGAGCCTGCAGTGGATGGCGGGCGGCACCTTCACGGGGGAGGCCCTGCAGTACA[C>G]GCGGGACCAGCTGCTGCCGCCCAGCCCGAACAACCGCATCGCCCTGGTCATCACTGACGG-3'
Protein context (NP_001839.2, residues 700-720): GTFTGEALQY[Thr710Arg]RDQLLPPSPN